The following is an entry in ClinVar:

ClinVar aggregate classification (germline): Likely benign. Review status: criteria provided, multiple submitters, no conflicts (2 of 4 stars). 3 submissions from 3 submitters: Likely benign (3). Last evaluated 2026-01-01.

Conditions:
Mowat-Wilson syndrome (MOWS). Also called: Classic Mowat-Wilson Syndrome. Identifiers: Orphanet 2152, MedGen C1856113, MONDO:0009341, OMIM 235730.
Inborn genetic diseases. Identifiers: MedGen C0950123, MeSH D030342.

Allele frequency attached by ClinVar (database versions not stated): gnomAD exomes below 0.00001; gnomAD 0.00001; TOPMed 0.00002.
gnomAD v4.1: 4 of 1,614,086 alleles (0.00025%); highest among the groups gnomAD compares: African/African-American, 0.004%; no homozygotes.

Submissions (3):

CeGaT Center for Human Genetics Tuebingen
Classification: Likely benign. Last evaluated: 2026-01-01. Review status: criteria provided, single submitter. Criteria: CeGaT Center For Human Genetics Tuebingen Variant Classification Criteria Version 2. Collection method: clinical testing. Allele origin: germline. Affected: yes. Observed: 1 variant allele.
Comment: ZEB2: BP4, BP7

Labcorp Genetics (formerly Invitae), Labcorp
Classification: Likely benign for Mowat-Wilson syndrome. Last evaluated: 2025-01-06. Review status: criteria provided, single submitter. Criteria: Invitae Variant Classification Sherloc (09022015). Collection method: clinical testing. Allele origin: germline.

Ambry Genetics
Classification: Likely benign for Inborn genetic diseases. Last evaluated: 2017-01-25. Review status: criteria provided, single submitter. Criteria: Ambry Variant Classification Scheme 2023. Collection method: clinical testing. Allele origin: germline.

NM_014795.4(ZEB2):c.1554T>C (p.His518=)

Gene: ZEB2 (zinc finger E-box binding homeobox 2; minus strand). Cytogenetic location: 2q22.3.
Variant type: single nucleotide variant.
Coding change: c.1554T>C on transcript NM_014795.4 (MANE Select); coding-DNA position 1554, T replaced by C.
Protein change: p.His518=; no amino-acid change (histidine 518 retained).
Molecular consequence: synonymous variant.
Genome position (GRCh38, 1-based): chr2:144,399,633, A>G on the plus strand (T>C on the coding strand, the complement: ZEB2 is on the minus strand). VCF-style: chr2-144399633-A-G. GRCh37 (hg19) VCF-style: chr2-145157200-A-G.
Other names: c.1482T>C, p.His494= (NM_001171653.2).
Identifiers: ClinVar variation 590043 (VCV000590043.18), dbSNP rs1431508601, ClinGen allele CA429445892.